The following is an entry in ClinVar:

ClinVar aggregate classification (germline): Likely benign. Review status: criteria provided, multiple submitters, no conflicts (2 of 4 stars). 4 submissions from 4 submitters: Likely benign (3). 1 of the submissions does not count toward it. Last evaluated 2025-09-29.

Conditions:
Progressive osseous heteroplasia (POH). Also called: Osseus Heteroplasia, Progressive; ECTOPIC OSSIFICATION, FAMILIAL; Osteoma cutis; Progressive Osseus Heteroplasia (POH). Identifiers: Orphanet 2762, MedGen C0334041, MONDO:0008153, OMIM 166350, HP:0025027.
Pituitary adenoma 3, multiple types. Also called: PITUITARY ADENOMA 3, ACTH-SECRETING, SOMATIC; PITUITARY ADENOMA 3, GROWTH HORMONE-SECRETING, SOMATIC. Identifiers: MedGen C4540135, MONDO:0054665, OMIM 617686.
ACTH-independent macronodular adrenal hyperplasia 1 (AIMAH1). Also called: CUSHING SYNDROME, ADRENAL, DUE TO AIMAH; CORTICOTROPIN-INDEPENDENT MACRONODULAR ADRENAL HYPERPLASIA; ACTH-INDEPENDENT MACRONODULAR ADRENOCORTICAL HYPERPLASIA; ACTH-independent macronodular adrenal hyperplasia, somatic; ADRENOCORTICOTROPIC HORMONE-INDEPENDENT MACRONODULAR ADRENAL HYPERPLASIA. Identifiers: MedGen C1857451, MONDO:0020735, OMIM 219080.
Pseudohypoparathyroidism type I A (PHP1A). Also called: Pseudohypoparathyroidism Type IA; ALBRIGHT HEREDITARY OSTEODYSTROPHY WITH MULTIPLE HORMONE RESISTANCE; PHP IA; Pseudohypoparathyroidism type 1A; Pseudohypoparathyroidism Ia (PHP-Ia). Identifiers: Orphanet 79443, MedGen C3494506, MONDO:0007078, OMIM 103580.
Pseudohypoparathyroidism type 1B (PHP1B). Also called: PHP IB; Pseudohypoparathyroidism Type IB; Pseudohypoparathyroidism Ib (PHP-Ib). Identifiers: Orphanet 94089, MedGen C1864100, MONDO:0011301, OMIM 603233.
Pseudopseudohypoparathyroidism (PPHP). Also called: Pseudopseudohypoparathyroidism (PPHP); ALBRIGHT HEREDITARY OSTEODYSTROPHY WITHOUT MULTIPLE HORMONE RESISTANCE. Identifiers: Orphanet 79445, MedGen C0033835, MONDO:0012912, OMIM 612463.
McCune-Albright syndrome (MAS). Also called: Fibrous Dysplasia / McCune-Albright Syndrome; ALBRIGHT SYNDROME; Albright's Syndrome; Albright's disease; McCune-Albright syndrome, somatic, mosaic. Identifiers: Orphanet 562, MedGen C0242292, MONDO:0018919, OMIM 174800.
Pseudohypoparathyroidism type 1C (PHP1C). Also called: Pseudohypoparathyroidism Ic (PHP-Ic); PSEUDOHYPOPARATHYROIDISM, TYPE IC; PHP IC. Identifiers: Orphanet 79444, MedGen C2932716, MONDO:0012911, OMIM 612462.
Inborn genetic diseases. Identifiers: MedGen C0950123, MeSH D030342.
GNAS-related disorder. Identifiers: MedGen CN380105.

Allele frequency attached by ClinVar (database versions not stated): ExAC 0.00007; ESP Exome Variant Server 0.00008; gnomAD exomes 0.00008 and 0.00010; gnomAD 0.00017; TOPMed 0.00020.
gnomAD v4.1: 131 of 1,383,438 alleles (0.0095%); highest among the groups gnomAD compares: Admixed American, 0.06%; no homozygotes.

Submissions (4):

Labcorp Genetics (formerly Invitae), Labcorp
Classification: Likely benign. Last evaluated: 2025-09-29. Review status: criteria provided, single submitter. Criteria: Invitae Variant Classification Sherloc (09022015). Collection method: clinical testing. Allele origin: germline.

Fulgent Genetics
Classification: Likely benign for Pseudohypoparathyroidism type I A; Progressive osseous heteroplasia; McCune-Albright syndrome; ACTH-independent macronodular adrenal hyperplasia 1; Pseudohypoparathyroidism type 1B; Pseudohypoparathyroidism type 1C; Pseudopseudohypoparathyroidism; Pituitary adenoma 3, multiple types. Last evaluated: 2022-02-16. Review status: criteria provided, single submitter. Criteria: ACMG Guidelines, 2015. Collection method: clinical testing. Allele origin: unknown.

Ambry Genetics
Classification: Likely benign for Inborn genetic diseases. Last evaluated: 2021-12-28. Review status: criteria provided, single submitter. Criteria: Ambry Variant Classification Scheme 2023. Collection method: clinical testing. Allele origin: germline.

PreventionGenetics, part of Exact Sciences
Classification: Likely benign for GNAS-related condition. Last evaluated: 2024-07-18. Review status: no assertion criteria provided. Collection method: clinical testing. Allele origin: germline. Not counted in ClinVar's aggregate classification.
Comment: This variant is classified as likely benign based on ACMG/AMP sequence variant interpretation guidelines (Richards et al. 2015 PMID: 25741868, with internal and published modifications).

NM_000516.7(GNAS):c.530+11G>A

Gene: GNAS (GNAS complex locus; plus strand). Cytogenetic location: 20q13.32.
Variant type: single nucleotide variant.
Coding change: c.530+11G>A on transcript NM_000516.7 (MANE Select); 11 bases into the intron after coding-DNA position 530, G replaced by A.
Molecular consequence: intron variant.
Genome position (GRCh38, 1-based): chr20:58,905,491, G>A. VCF-style: chr20-58905491-G-A. GRCh37 (hg19) VCF-style: chr20-57480546-G-A.
Other names: c.533+11G>A (NM_001077488.5); c.488+11G>A (NM_080426.4); c.485+11G>A (NM_001077489.4); c.530+11G>A (NM_000516.4, NM_000516.5); c.*436+11G>A (NM_016592.5); c.353+11G>A (NM_001309861.2, NM_001309840.2); c.*391+11G>A (NM_001077490.3); c.2459+11G>A (NM_080425.4).
Identifiers: ClinVar variation 1629295 (VCV001629295.11), dbSNP rs74474807, ClinGen allele CA9927114.